The following is an entry in ClinVar:

ClinVar aggregate classification (germline): Uncertain significance (1 of 4 stars; one submission).

Conditions:
Hypertrophic cardiomyopathy. Also called: HYPERTROPHIC MYOCARDIOPATHY. Identifiers: Orphanet 217569, MedGen C0007194, MeSH D002312, MONDO:0005045, HP:0001639.

Submission:

Labcorp Genetics (formerly Invitae), Labcorp
Classification: Uncertain significance for Hypertrophic cardiomyopathy. Last evaluated: 2024-09-12. Review status: criteria provided, single submitter. Criteria: Invitae Variant Classification Sherloc (09022015). Collection method: clinical testing. Allele origin: germline.
Comment: This sequence change replaces cysteine, which is neutral and slightly polar, with tyrosine, which is neutral and polar, at codon 714 of the MYOM1 protein (p.Cys714Tyr). This variant is not present in population databases (gnomAD no frequency). This variant has not been reported in the literature in individuals affected with MYOM1-related conditions. Invitae Evidence Modeling of protein sequence and biophysical properties (such as structural, functional, and spatial information, amino acid conservation, physicochemical variation, residue mobility, and thermodynamic stability) has been performed for this missense variant. However, the output from this modeling did not meet the statistical confidence thresholds required to predict the impact of this variant on MYOM1 protein function. In summary, the available evidence is currently insufficient to determine the role of this variant in disease. Therefore, it has been classified as a Variant of Uncertain Significance.

NM_003803.4(MYOM1):c.2141G>A (p.Cys714Tyr)

Gene: MYOM1 (myomesin 1; minus strand). Cytogenetic location: 18p11.31.
Variant type: single nucleotide variant.
Coding change: c.2141G>A on transcript NM_003803.4 (MANE Select); coding-DNA position 2141, G replaced by A.
Protein change: p.Cys714Tyr; replaces cysteine 714 with tyrosine.
Molecular consequence: missense variant.
Genome position (GRCh38, 1-based): chr18:3,135,615, C>T on the plus strand (G>A on the coding strand, the complement: MYOM1 is on the minus strand). VCF-style: chr18-3135615-C-T. GRCh37 (hg19) VCF-style: chr18-3135613-C-T.
Other names: c.2141G>A, p.Cys714Tyr (NM_019856.2); short protein forms C714Y.
Identifiers: ClinVar variation 3622582 (VCV003622582.2).